The following is an entry in ClinVar:

NC_000002.12:g.(?_214728676)_(214769322_?)dup

Gene: BARD1 (BRCA1 associated RING domain 1; minus strand). Cytogenetic location: 2q35.
Variant type: Duplication.
Identifiers: ClinVar variation 833305 (VCV000833305.2).

ClinVar aggregate classification (germline): Uncertain significance (1 of 4 stars; one submission).

Conditions:
Familial cancer of breast. Also called: BREAST CANCER, FAMILIAL; Hereditary breast cancer; hereditary breast carcinoma. Identifiers: Orphanet 227535, MedGen C0346153, MONDO:0016419, OMIM 114480. Disease mechanism: loss of function.

Submission:

Labcorp Genetics (formerly Invitae), Labcorp
Classification: Uncertain significance for Hereditary Breast Carcinoma. Last evaluated: 2019-09-11. Review status: criteria provided, single submitter. Criteria: Invitae Variant Classification Sherloc (09022015). Collection method: clinical testing. Allele origin: germline.
Comment: This variant results in a copy number gain of the genomic region encompassing exons 5-11 of the BARD1 gene. The 5' boundary is likely confined to intron 4. The 3' end of this event is unknown as it extends beyond the assayed region for this gene and therefore may encompass additional genes. As the precise location of this event is unknown, it may be in tandem or it may be located elsewhere in the genome. This variant has not been reported in the literature in individuals with BARD1-related conditions. Experimental studies and prediction algorithms are not available or were not evaluated for this variant, and the functional significance of this variant is currently unknown. In summary, the available evidence is currently insufficient to determine the role of this variant in disease. Therefore, it has been classified as a Variant of Uncertain Significance.